The following is an entry in ClinVar:

NM_002047.4(GARS1):c.979G>C (p.Gly327Arg)

Gene: GARS1 (glycyl-tRNA synthetase 1; plus strand). Cytogenetic location: 7p14.3.
Variant type: single nucleotide variant.
Coding change: c.979G>C on transcript NM_002047.4 (MANE Select); coding-DNA position 979, G replaced by C.
Protein change: p.Gly327Arg; replaces glycine 327 with arginine.
Molecular consequence: missense variant.
Genome position (GRCh38, 1-based): chr7:30,612,193, G>C. VCF-style: chr7-30612193-G-C. GRCh37 (hg19) VCF-style: chr7-30651809-G-C.
Other names: c.817G>C, p.Gly273Arg (NM_001316772.1); short protein forms G273R, G327R.
Identifiers: ClinVar variation 1054655 (VCV001054655.9), dbSNP rs1584034430, ClinGen allele CA367125159.

ClinVar aggregate classification (germline): Uncertain significance (1 of 4 stars; one submission).

Conditions:
Charcot-Marie-Tooth disease type 2. Also called: Charcot-Marie-Tooth type 2. Identifiers: Orphanet 64746, MedGen C0270914, MONDO:0018993.

Submission:

Labcorp Genetics (formerly Invitae), Labcorp
Classification: Uncertain significance for Charcot-Marie-Tooth disease type 2. Last evaluated: 2020-03-19. Review status: criteria provided, single submitter. Criteria: Invitae Variant Classification Sherloc (09022015). Collection method: clinical testing. Allele origin: germline.
Comment: This sequence change replaces glycine with arginine at codon 327 of the GARS protein (p.Gly327Arg). The glycine residue is highly conserved and there is a moderate physicochemical difference between glycine and arginine. This variant is not present in population databases (ExAC no frequency). This missense change has been observed in individual(s) with hereditary motor neuropathy (PMID: 26392352). Algorithms developed to predict the effect of missense changes on protein structure and function (SIFT, PolyPhen-2, Align-GVGD) all suggest that this variant is likely to be disruptive, but these predictions have not been confirmed by published functional studies and their clinical significance is uncertain. In summary, the available evidence is currently insufficient to determine the role of this variant in disease. Therefore, it has been classified as a Variant of Uncertain Significance.

Literature cited by the submitters: PubMed 26392352.